The following is an entry in ClinVar:

NM_000179.3(MSH6):c.1094G>A (p.Trp365Ter)

Gene: MSH6 (mutS homolog 6; plus strand). Cytogenetic location: 2p16.3.
Variant type: single nucleotide variant.
Coding change: c.1094G>A on transcript NM_000179.3 (MANE Select); coding-DNA position 1094, G replaced by A.
Protein change: p.Trp365Ter; replaces tryptophan 365 with a stop codon.
Molecular consequence: nonsense. On other transcripts: non-coding transcript variant (4), intron variant (1).
Genome position (GRCh38, 1-based): chr2:47,799,077, G>A. VCF-style: chr2-47799077-G-A. GRCh37 (hg19) VCF-style: chr2-48026216-G-A.
Other names: c.188G>A, p.Trp63Ter (NM_001406811.1, NM_001406812.1, NM_001406814.1 and 6 more transcripts); c.1100G>A, p.Trp367Ter (NM_001406813.1); c.1094G>A, p.Trp365Ter (NM_001406817.1, NM_001406796.1, NM_001406798.1 and 4 more transcripts); c.797G>A, p.Trp266Ter (NM_001406818.1, NM_001406819.1, NM_001406820.1 and 10 more transcripts); c.704G>A, p.Trp235Ter (NM_001281492.2); c.1190G>A, p.Trp397Ter (NM_001406795.1, NM_001406802.1); c.569G>A, p.Trp190Ter (NM_001406799.1, NM_001406806.1, NM_001406807.1); c.1016G>A, p.Trp339Ter (NM_001406804.1); and 2 more; short protein forms W266*, W339*, W235*, W309*, W365*, W190*, W367*, W63*.
Identifiers: ClinVar variation 2757181 (VCV002757181.3), dbSNP rs587780558, ClinGen allele CA346741870.

ClinVar aggregate classification (germline): Pathogenic (1 of 4 stars; one submission).

Conditions:
Hereditary nonpolyposis colorectal neoplasms. Identifiers: MedGen C0009405, MeSH D003123.

Submission:

Labcorp Genetics (formerly Invitae), Labcorp
Classification: Pathogenic for Hereditary nonpolyposis colorectal neoplasms. Last evaluated: 2023-09-01. Review status: criteria provided, single submitter. Criteria: Invitae Variant Classification Sherloc (09022015). Collection method: clinical testing. Allele origin: germline.
Comment: For these reasons, this variant has been classified as Pathogenic. This premature translational stop signal has been observed in individual(s) with pancreatic cancer (PMID: 29922827). This variant is not present in population databases (gnomAD no frequency). This sequence change creates a premature translational stop signal (p.Trp365*) in the MSH6 gene. It is expected to result in an absent or disrupted protein product. Loss-of-function variants in MSH6 are known to be pathogenic (PMID: 18269114, 24362816).

Literature cited by the submitters: PubMed 29922827; PubMed 18269114; PubMed 24362816.